The following is an entry in ClinVar:

ClinVar aggregate classification (germline): Benign/Likely benign. Review status: criteria provided, multiple submitters, no conflicts (2 of 4 stars). 2 submissions from 2 submitters: Benign (1); Likely benign (1). Last evaluated 2024-09-10.

Conditions:
Hereditary cancer-predisposing syndrome. Also called: Neoplastic Syndromes, Hereditary; Tumor predisposition; Hereditary Cancer Syndrome; Hereditary neoplastic syndrome. Identifiers: Orphanet 140162, MedGen C0027672, MeSH D009386, MONDO:0015356.
Familial cancer of breast. Also called: BREAST CANCER, FAMILIAL; Hereditary breast cancer; hereditary breast carcinoma. Identifiers: Orphanet 227535, MedGen C0346153, MONDO:0016419, OMIM 114480. Disease mechanism: loss of function.

Submissions (2):

Myriad Genetics, Inc.
Classification: Benign for Familial cancer of breast. Last evaluated: 2024-09-10. Review status: criteria provided, single submitter. Criteria: Myriad Autosomal Dominant, Autosomal Recessive and X-Linked Classification Criteria (2023). Collection method: clinical testing. Allele origin: unknown.
Comment: This variant is considered benign. This variant is a silent/synonymous amino acid change and it is not expected to impact splicing.

Ambry Genetics
Classification: Likely benign for Hereditary cancer-predisposing syndrome. Last evaluated: 2016-09-07. Review status: criteria provided, single submitter. Criteria: Ambry Variant Classification Scheme 2023. Collection method: clinical testing. Allele origin: germline.

NM_032043.3(BRIP1):c.3537A>G (p.Val1179=)

Gene: BRIP1 (BRCA1 interacting DNA helicase 1; minus strand). Cytogenetic location: 17q23.2.
Variant type: single nucleotide variant.
Coding change: c.3537A>G on transcript NM_032043.3 (MANE Select); coding-DNA position 3537, A replaced by G.
Protein change: p.Val1179=; no amino-acid change (valine 1179 retained).
Molecular consequence: synonymous variant.
Genome position (GRCh38, 1-based): chr17:61,683,509, T>C on the plus strand (A>G on the coding strand, the complement: BRIP1 is on the minus strand). VCF-style: chr17-61683509-T-C. GRCh37 (hg19) VCF-style: chr17-59760870-T-C.
Identifiers: ClinVar variation 485457 (VCV000485457.6), dbSNP rs1555572536, ClinGen allele CA501335252.
Genomic context (GRCh38, chr17:61,683,509, plus strand): 5'-CAGAATTCCATTCAACTTTGTATCTATGCAATCCTCAGCTTTCACTTCTCTGGCTGAATC[T>C]ACTTCTTTTATAGTTCTAATTTCAAAAAGGTCTTTAGCTAAAATGCAATCTGAATTGTTA-3'
Protein context (NP_114432.2, residues 1169-1189): DLFEIRTIKE[Val1179=]DSAREVKAED